The following is an entry in ClinVar:

NM_001081.4(CUBN):c.*601A>G

Gene: CUBN (cubilin; minus strand). Cytogenetic location: 10p13.
Variant type: single nucleotide variant.
Coding change: c.*601A>G on transcript NM_001081.4 (MANE Select); 601 bases downstream of the stop codon, A replaced by G.
Molecular consequence: 3 prime UTR variant.
Genome position (GRCh38, 1-based): chr10:16,824,374, T>C on the plus strand (A>G on the coding strand, the complement: CUBN is on the minus strand). VCF-style: chr10-16824374-T-C. GRCh37 (hg19) VCF-style: chr10-16866373-T-C.
Identifiers: ClinVar variation 299330 (VCV000299330.6), dbSNP rs780635, ClinGen allele CA10631292.

ClinVar aggregate classification (germline): Benign. Review status: criteria provided, multiple submitters, no conflicts (2 of 4 stars). 2 submissions from 2 submitters: Benign (2). Last evaluated 2018-01-12.

Conditions:
Imerslund-Grasbeck syndrome type 1 (IGS1). Also called: Megaloblastic anemia 1, Finnish type; MEGALOBLASTIC ANEMIA, 1; Imerslund-Gräsbeck syndrome 1. Identifiers: MedGen C4016819, MONDO:0100156, OMIM 261100.

Allele frequency attached by ClinVar (database versions not stated): TOPMed 0.33740; 1000 Genomes Project 30x 0.41974; 1000 Genomes Project 0.42931; gnomAD 0.34264 and 0.33593; gnomAD exomes 0.33662.
gnomAD v4.1: 52,701 of 153,896 alleles (34%); highest among the groups gnomAD compares: East Asian, 75%; 9,776 homozygotes.

Submissions (2):

Illumina Laboratory Services, Illumina
Classification: Benign for Imerslund-Grasbeck syndrome type 1. Last evaluated: 2018-01-12. Review status: criteria provided, single submitter. Criteria: ICSL Variant Classification Criteria 13 December 2019. Collection method: clinical testing. Allele origin: germline.
Comment: This variant was observed in the ICSL laboratory as part of a predisposition screen in an ostensibly healthy population. It had not been previously curated by ICSL or reported in the Human Gene Mutation Database (HGMD: prior to June 1st, 2018), and was therefore a candidate for classification through an automated scoring system. Utilizing variant allele frequency, disease prevalence and penetrance estimates, and inheritance mode, an automated score was calculated to assess if this variant is too frequent to cause the disease. Based on the score and internal cut-off values, a variant classified as benign is not then subjected to further curation. The score for this variant resulted in a classification of benign for this disease.

Breakthrough Genomics
Classification: Benign. Review status: criteria provided, single submitter. Criteria: ACMG Guidelines, 2015. Collection method: not provided. Allele origin: germline. Inheritance: Autosomal recessive inheritance. Affected: yes.